The following is an entry in ClinVar:

ClinVar aggregate classification (germline): Uncertain significance. Review status: criteria provided, multiple submitters, no conflicts (2 of 4 stars). 2 submissions from 2 submitters: Uncertain significance (2). Last evaluated 2024-05-21.

Conditions:
Hereditary cancer-predisposing syndrome. Also called: Neoplastic Syndromes, Hereditary; Hereditary Cancer Syndrome; Hereditary neoplastic syndrome; Tumor predisposition. Identifiers: Orphanet 140162, MedGen C0027672, MeSH D009386, MONDO:0015356.

Submissions (2):

Labcorp Genetics (formerly Invitae), Labcorp
Classification: Uncertain significance. Last evaluated: 2024-05-21. Review status: criteria provided, single submitter. Criteria: Invitae Variant Classification Sherloc (09022015). Collection method: clinical testing. Allele origin: germline.
Comment: This sequence change replaces lysine, which is basic and polar, with glutamic acid, which is acidic and polar, at codon 381 of the MSH3 protein (p.Lys381Glu). This variant is not present in population databases (gnomAD no frequency). This variant has not been reported in the literature in individuals affected with MSH3-related conditions. ClinVar contains an entry for this variant (Variation ID: 2565652). An algorithm developed to predict the effect of missense changes on protein structure and function (PolyPhen-2) suggests that this variant is likely to be tolerated. In summary, the available evidence is currently insufficient to determine the role of this variant in disease. Therefore, it has been classified as a Variant of Uncertain Significance.

Ambry Genetics
Classification: Uncertain significance for Hereditary cancer-predisposing syndrome. Last evaluated: 2023-04-08. Review status: criteria provided, single submitter. Criteria: Ambry Variant Classification Scheme 2023. Collection method: clinical testing. Allele origin: germline.
Comment: The p.K381E variant (also known as c.1141A>G), located in coding exon 7 of the MSH3 gene, results from an A to G substitution at nucleotide position 1141. The lysine at codon 381 is replaced by glutamic acid, an amino acid with similar properties. This amino acid position is conserved. In addition, the in silico prediction for this alteration is inconclusive. Since supporting evidence is limited at this time, the clinical significance of this alteration remains unclear.

NM_002439.5(MSH3):c.1141A>G (p.Lys381Glu)

Gene: MSH3 (mutS homolog 3; plus strand). Cytogenetic location: 5q14.1.
Variant type: single nucleotide variant.
Coding change: c.1141A>G on transcript NM_002439.5 (MANE Select); coding-DNA position 1141, A replaced by G.
Protein change: p.Lys381Glu; replaces lysine 381 with glutamic acid.
Molecular consequence: missense variant.
Genome position (GRCh38, 1-based): chr5:80,675,096, A>G. VCF-style: chr5-80675096-A-G. GRCh37 (hg19) VCF-style: chr5-79970915-A-G.
Other names: short protein forms K381E.
Identifiers: ClinVar variation 2565652 (VCV002565652.5), dbSNP rs761005861, ClinGen allele CA360268251.